The following is an entry in ClinVar:

ClinVar aggregate classification (germline): Likely pathogenic (1 of 4 stars; one submission).

Conditions:
Tyrosinemia type I (TYRSN1). Also called: HEPATORENAL TYROSINEMIA; Tyrosinemia type 1; Fumarylacetoacetase deficiency; Deficiency of fumarylacetoacetase; FAH DEFICIENCY. Identifiers: Orphanet 882, MedGen C0268490, MONDO:0010161, OMIM 276700. Disease mechanism: loss of function.

Submission:

Juno Genomics, Hangzhou Juno Genomics, Inc
Classification: Likely pathogenic for Tyrosinemia type I. Review status: criteria provided, single submitter. Criteria: ACMG Guidelines, 2015. Collection method: clinical testing. Allele origin: germline.
Comment: Null variant in a gene where loss of function (LOF) is a known mechanism of disease.;Absent from controls (or at extremely low frequency if recessive) in Genome Aggregation Database.

NM_000137.4(FAH):c.314+1G>T

Gene: FAH (fumarylacetoacetate hydrolase; plus strand). Cytogenetic location: 15q25.1.
Variant type: single nucleotide variant.
Coding change: c.314+1G>T on transcript NM_000137.4 (MANE Select); the canonical splice donor site of the intron after coding-DNA position 314, G replaced by T.
Molecular consequence: splice donor variant.
Genome position (GRCh38, 1-based): chr15:80,159,878, G>T. VCF-style: chr15-80159878-G-T. GRCh37 (hg19) VCF-style: chr15-80452220-G-T.
Other names: c.314+1G>T (NM_001374377.1, NM_001374380.1).
Identifiers: ClinVar variation 5005465 (VCV005005465.2), dbSNP rs1057516408.